The following is an entry in ClinVar:

NM_006946.4(SPTBN2):c.4514C>T (p.Thr1505Ile)

Gene: SPTBN2 (spectrin beta, non-erythrocytic 2; minus strand). Cytogenetic location: 11q13.2.
Variant type: single nucleotide variant.
Coding change: c.4514C>T on transcript NM_006946.4 (MANE Select); coding-DNA position 4514, C replaced by T.
Protein change: p.Thr1505Ile; replaces threonine 1505 with isoleucine.
Molecular consequence: missense variant.
Genome position (GRCh38, 1-based): chr11:66,693,851, G>A on the plus strand (C>T on the coding strand, the complement: SPTBN2 is on the minus strand). VCF-style: chr11-66693851-G-A. GRCh37 (hg19) VCF-style: chr11-66461322-G-A.
Other names: c.4535C>T, p.Thr1512Ile (NM_001411025.1); short protein forms T1505I, T1512I.
Identifiers: ClinVar variation 2684350 (VCV002684350.1), dbSNP rs752207336, ClinGen allele CA6128548.

ClinVar aggregate classification (germline): Uncertain significance (1 of 4 stars; one submission).

Allele frequency attached by ClinVar (database versions not stated): gnomAD exomes below 0.00001; ExAC 0.00001.
gnomAD v4.1: 6 of 1,613,912 alleles (0.00037%); highest among the groups gnomAD compares: South Asian, 0.0022%; no homozygotes.

Submission:

Athena Diagnostics
Classification: Uncertain significance. Last evaluated: 2023-03-02. Review status: criteria provided, single submitter. Criteria: Athena Diagnostics Criteria. Collection method: clinical testing. Allele origin: unknown.
Comment: Available data are insufficient to determine the clinical significance of the variant at this time. The frequency of this variant in the general population is uninformative in assessment of its pathogenicity. Computational tools predict that this variant is not damaging.